The following is an entry in ClinVar:

NM_007373.4(SHOC2):c.1277C>A (p.Ser426Tyr)

Gene: SHOC2 (SHOC2 leucine rich repeat scaffold protein; plus strand). Cytogenetic location: 10q25.2.
Variant type: single nucleotide variant.
Coding change: c.1277C>A on transcript NM_007373.4 (MANE Select); coding-DNA position 1277, C replaced by A.
Protein change: p.Ser426Tyr; replaces serine 426 with tyrosine.
Molecular consequence: missense variant. On other transcripts: non-coding transcript variant (1).
Genome position (GRCh38, 1-based): chr10:111,007,646, C>A. VCF-style: chr10-111007646-C-A. GRCh37 (hg19) VCF-style: chr10-112767404-C-A.
Other names: c.1139C>A, p.Ser380Tyr (NM_001269039.3, NM_001441186.1); c.1277C>A, p.Ser426Tyr (NM_001324336.2, NM_001324337.2, NM_001441184.1 and 2 more transcripts); c.608C>A, p.Ser203Tyr (NM_001441188.1); c.194C>A, p.Ser65Tyr (NM_001441189.1, NM_001441190.1, NM_001441191.1); short protein forms S203Y, S380Y, S426Y, S65Y.
Identifiers: ClinVar variation 4809139 (VCV004809139.1).

ClinVar aggregate classification (germline): Uncertain significance (1 of 4 stars; one submission).

Conditions:
RASopathy. Also called: rasopathies; Noonan spectrum disorder. Identifiers: Orphanet 536391, MedGen C5555857, MONDO:0021060.

Submission:

Labcorp Genetics (formerly Invitae), Labcorp
Classification: Uncertain significance for RASopathy. Last evaluated: 2025-11-09. Review status: criteria provided, single submitter. Criteria: Invitae Variant Classification Sherloc (09022015). Collection method: clinical testing. Allele origin: germline.
Comment: This sequence change replaces serine, which is neutral and polar, with tyrosine, which is neutral and polar, at codon 426 of the SHOC2 protein (p.Ser426Tyr). This variant is not present in population databases (gnomAD no frequency). This variant has not been reported in the literature in individuals affected with SHOC2-related conditions. Invitae Evidence Modeling of protein sequence and biophysical properties (such as structural, functional, and spatial information, amino acid conservation, physicochemical variation, residue mobility, and thermodynamic stability) indicates that this missense variant is not expected to disrupt SHOC2 protein function with a negative predictive value of 80%. In summary, the available evidence is currently insufficient to determine the role of this variant in disease. Therefore, it has been classified as a Variant of Uncertain Significance.